The following is an entry in ClinVar:

NM_000264.5(PTCH1):c.3688A>G (p.Thr1230Ala)

Gene: PTCH1 (patched 1; minus strand). Cytogenetic location: 9q22.32.
Variant type: single nucleotide variant.
Coding change: c.3688A>G on transcript NM_000264.5 (MANE Select); coding-DNA position 3688, A replaced by G.
Protein change: p.Thr1230Ala; replaces threonine 1230 with alanine.
Molecular consequence: missense variant. On other transcripts: non-coding transcript variant (1).
Genome position (GRCh38, 1-based): chr9:95,449,185, T>C on the plus strand (A>G on the coding strand, the complement: PTCH1 is on the minus strand). VCF-style: chr9-95449185-T-C. GRCh37 (hg19) VCF-style: chr9-98211467-T-C.
Other names: c.3490A>G, p.Thr1164Ala (NM_001083602.3); c.3685A>G, p.Thr1229Ala (NM_001083603.3); c.3235A>G, p.Thr1079Ala (NM_001083604.3, NM_001083605.3, NM_001083606.3 and 1 more transcripts); c.3532A>G, p.Thr1178Ala (NM_001354918.2); short protein forms T1178A, T1229A, T1230A, T1079A, T1164A.
Identifiers: ClinVar variation 4761313 (VCV004761313.1).

ClinVar aggregate classification (germline): Uncertain significance (1 of 4 stars; one submission).

Conditions:
Gorlin syndrome. Also called: Nevoid Basal Cell Carcinoma Syndrome; Basal cell nevus syndrome. Identifiers: Orphanet 377, MedGen C0004779, MONDO:0007187.

Submission:

Labcorp Genetics (formerly Invitae), Labcorp
Classification: Uncertain significance for Gorlin syndrome. Last evaluated: 2025-11-23. Review status: criteria provided, single submitter. Criteria: Invitae Variant Classification Sherloc (09022015). Collection method: clinical testing. Allele origin: germline.
Comment: This sequence change replaces threonine, which is neutral and polar, with alanine, which is neutral and non-polar, at codon 1230 of the PTCH1 protein (p.Thr1230Ala). This variant is not present in population databases (gnomAD no frequency). This variant has not been reported in the literature in individuals affected with PTCH1-related conditions. Invitae Evidence Modeling of protein sequence and biophysical properties (such as structural, functional, and spatial information, amino acid conservation, physicochemical variation, residue mobility, and thermodynamic stability) indicates that this missense variant is not expected to disrupt PTCH1 protein function with a negative predictive value of 95%. In summary, the available evidence is currently insufficient to determine the role of this variant in disease. Therefore, it has been classified as a Variant of Uncertain Significance.